The following is an entry in ClinVar:

NM_020631.6(PLEKHG5):c.592-14C>T

Gene: PLEKHG5 (pleckstrin homology and RhoGEF domain containing G5; minus strand). Cytogenetic location: 1p36.31.
Variant type: single nucleotide variant.
Coding change: c.592-14C>T on transcript NM_020631.6 (MANE Select); 14 bases into the intron before coding-DNA position 592, C replaced by T.
Molecular consequence: intron variant.
Genome position (GRCh38, 1-based): chr1:6,473,468, G>A on the plus strand (C>T on the coding strand, the complement: PLEKHG5 is on the minus strand). VCF-style: chr1-6473468-G-A. GRCh37 (hg19) VCF-style: chr1-6533528-G-A.
Other names: c.592-14C>T (NM_198681.4, NM_001265594.3, NM_001042664.2 and 1 more transcripts); c.703-14C>T (NM_001042663.3, NM_001265592.2); c.799-14C>T (NM_001265593.2).
Identifiers: ClinVar variation 378375 (VCV000378375.11), dbSNP rs554879611, ClinGen allele CA561785.

ClinVar aggregate classification (germline): Benign/Likely benign. Review status: criteria provided, multiple submitters, no conflicts (2 of 4 stars). 4 submissions from 4 submitters: Benign (2); Likely benign (2). Last evaluated 2026-01-28.

Conditions:
Neuronopathy, distal hereditary motor, autosomal recessive 4. Also called: Autosomal recessive lower motor neuron disease with childhood onset; NEUROPATHY, DISTAL HEREDITARY MOTOR, AUTOSOMAL RECESSIVE 4. Identifiers: Orphanet 206580, MedGen C1970211, MONDO:0012608, OMIM 611067.
Charcot-Marie-Tooth disease recessive intermediate C. Also called: CHARCOT-MARIE-TOOTH NEUROPATHY, RECESSIVE INTERMEDIATE C. Identifiers: Orphanet 369867, MedGen C3809309, MONDO:0014154, OMIM 615376.

Allele frequency attached by ClinVar (database versions not stated): 1000 Genomes Project 30x 0.00016; ExAC 0.00055; TOPMed 0.00082; gnomAD exomes 0.00106 and 0.00114; gnomAD 0.00153 and 0.00165.
gnomAD v4.1: 1,782 of 1,513,772 alleles (0.12%); highest among the groups gnomAD compares: Non-Finnish European, 0.13%; 6 homozygotes.

Submissions (4):

Labcorp Genetics (formerly Invitae), Labcorp
Classification: Benign for Neuronopathy, distal hereditary motor, autosomal recessive 4; Charcot-Marie-Tooth disease recessive intermediate C. Last evaluated: 2026-01-28. Review status: criteria provided, single submitter. Criteria: Invitae Variant Classification Sherloc (09022015). Collection method: clinical testing. Allele origin: germline.

Women's Health and Genetics/Laboratory Corporation of America, LabCorp
Classification: Likely benign. Last evaluated: 2025-06-30. Review status: criteria provided, single submitter. Criteria: LabCorp Variant Classification Summary - May 2015. Collection method: clinical testing. Allele origin: germline.

Blueprint Genetics
Classification: Likely benign. Last evaluated: 2024-11-22. Review status: criteria provided, single submitter. Criteria: ACMG Guidelines, 2015. Collection method: clinical testing. Allele origin: germline.

GeneDx
Classification: Benign. Last evaluated: 2015-04-16. Review status: criteria provided, single submitter. Criteria: GeneDx Variant Classification (06012015). Collection method: clinical testing. Allele origin: germline. Affected: yes.
Comment: This variant is considered likely benign or benign based on one or more of the following criteria: it is a conservative change, it occurs at a poorly conserved position in the protein, it is predicted to be benign by multiple in silico algorithms, and/or has population frequency not consistent with disease.